The following is an entry in ClinVar:

ClinVar aggregate classification (germline): Conflicting classifications of pathogenicity. Review status: criteria provided, conflicting classifications (1 of 4 stars). 3 submissions from 3 submitters: Likely pathogenic (1); Uncertain significance (2). Last evaluated 2023-04-09.

Submissions (3):

Labcorp Genetics (formerly Invitae), Labcorp
Classification: Likely pathogenic. Last evaluated: 2023-04-09. Review status: criteria provided, single submitter. Criteria: Invitae Variant Classification Sherloc (09022015). Collection method: clinical testing. Allele origin: germline.
Comment: This sequence change replaces glutamic acid, which is acidic and polar, with valine, which is neutral and non-polar, at codon 679 of the ABCA4 protein (p.Glu679Val). This variant is not present in population databases (gnomAD no frequency). In summary, the currently available evidence indicates that the variant is pathogenic, but additional data are needed to prove that conclusively. Therefore, this variant has been classified as Likely Pathogenic. Advanced modeling of protein sequence and biophysical properties (such as structural, functional, and spatial information, amino acid conservation, physicochemical variation, residue mobility, and thermodynamic stability) performed at Invitae indicates that this missense variant is expected to disrupt ABCA4 protein function. ClinVar contains an entry for this variant (Variation ID: 493045). This missense change has been observed in individual(s) with clinical features of ABCA4-related conditions (Invitae). In at least one individual the data is consistent with being in trans (on the opposite chromosome) from a pathogenic variant.

CeGaT Center for Human Genetics Tuebingen
Classification: Uncertain significance. Last evaluated: 2022-05-01. Review status: criteria provided, single submitter. Criteria: CeGaT Center For Human Genetics Tuebingen Variant Classification Criteria Version 2. Collection method: clinical testing. Allele origin: germline. Affected: yes. Observed: 2 variant alleles.
Comment: ABCA4: PM2, PM3

Blueprint Genetics
Classification: Uncertain significance. Last evaluated: 2018-06-13. Review status: criteria provided, single submitter. Criteria: ACMG Guidelines, 2015. Collection method: clinical testing. Allele origin: germline.

NM_000350.3(ABCA4):c.2036A>T (p.Glu679Val)

Gene: ABCA4 (ATP binding cassette subfamily A member 4; minus strand). Cytogenetic location: 1p22.1.
Variant type: single nucleotide variant.
Coding change: c.2036A>T on transcript NM_000350.3 (MANE Select); coding-DNA position 2036, A replaced by T.
Protein change: p.Glu679Val; replaces glutamic acid 679 with valine.
Molecular consequence: missense variant.
Genome position (GRCh38, 1-based): chr1:94,060,661, T>A on the plus strand (A>T on the coding strand, the complement: ABCA4 is on the minus strand). VCF-style: chr1-94060661-T-A. GRCh37 (hg19) VCF-style: chr1-94526217-T-A.
Other names: c.2036A>T, p.Glu679Val (NM_001425324.1); short protein forms E679V.
Identifiers: ClinVar variation 493045 (VCV000493045.53), dbSNP rs1553192420, ClinGen allele CA341278681.